The following is an entry in ClinVar:

NM_004415.4(DSP):c.652A>G (p.Ile218Val)

Gene: DSP (desmoplakin; plus strand). Cytogenetic location: 6p24.3.
Variant type: single nucleotide variant.
Coding change: c.652A>G on transcript NM_004415.4 (MANE Select); coding-DNA position 652, A replaced by G.
Protein change: p.Ile218Val; replaces isoleucine 218 with valine.
Molecular consequence: missense variant.
Genome position (GRCh38, 1-based): chr6:7,562,706, A>G. VCF-style: chr6-7562706-A-G. GRCh37 (hg19) VCF-style: chr6-7562939-A-G.
Other names: c.652A>G (LRG_423t1); c.652A>G, p.Ile218Val (NM_001008844.3, NM_001319034.2); short protein forms I218V.
Identifiers: ClinVar variation 422312 (VCV000422312.10), dbSNP rs987363401, ClinGen allele CA16618312.
Genomic context (GRCh38, chr6:7,562,706, plus strand): 5'-TCGCAGGCGGAGATGGACATGGTGGCCTGGGGTGTGGACCTGGCCTCAGTGGAGCAGCAC[A>G]TTAACAGCCACCGGGGCATCCACAACTCCATCGGCGACTATCGCTGGCAGCTGGACAAAA-3'
Protein context (NP_004406.2, residues 208-228): GVDLASVEQH[Ile218Val]NSHRGIHNSI

ClinVar aggregate classification (germline): Uncertain significance. Review status: criteria provided, multiple submitters, no conflicts (2 of 4 stars). 5 submissions from 5 submitters: Uncertain significance (5). Last evaluated 2025-07-09.

Conditions:
Arrhythmogenic cardiomyopathy with wooly hair and keratoderma. Also called: Carvajal syndrome; PALMOPLANTAR KERATODERMA WITH LEFT VENTRICULAR CARDIOMYOPATHY AND WOOLLY HAIR; Dilated cardiomyopathy with woolly hair and keratoderma; Arrhythmogenic cardiomyopathy with woolly hair and keratoderma. Identifiers: Orphanet 65282, MedGen C1854063, MONDO:0011581, OMIM 605676.
Arrhythmogenic right ventricular dysplasia 8 (ARVD8). Also called: ARRHYTHMOGENIC RIGHT VENTRICULAR CARDIOMYOPATHY 8; ARRHYTHMOGENIC RIGHT VENTRICULAR DYSPLASIA, FAMILIAL, 8; Arrhythmogenic Right Ventricular Dysplasia/Cardiomyopathy 8. Identifiers: MedGen C1843896, MONDO:0011831, OMIM 607450.
Cardiomyopathy (CMYO). Also called: Cardiomyopathies. Identifiers: Orphanet 167848, MedGen C0878544, MONDO:0004994, HP:0001638. Inheritance: Various modes of inheritance.

Allele frequency attached by ClinVar (database versions not stated): gnomAD exomes below 0.00001; gnomAD 0.00001; TOPMed 0.00001.
gnomAD v4.1: 6 of 1,614,198 alleles (0.00037%); highest among the groups gnomAD compares: South Asian, 0.0011%; no homozygotes.

Submissions (5):

Labcorp Genetics (formerly Invitae), Labcorp
Classification: Uncertain significance for Arrhythmogenic cardiomyopathy with wooly hair and keratoderma; Arrhythmogenic right ventricular dysplasia 8. Last evaluated: 2025-07-09. Review status: criteria provided, single submitter. Criteria: Invitae Variant Classification Sherloc (09022015). Collection method: clinical testing. Allele origin: germline.
Comment: This sequence change replaces isoleucine, which is neutral and non-polar, with valine, which is neutral and non-polar, at codon 218 of the DSP protein (p.Ile218Val). This variant is present in population databases (no rsID available, gnomAD 0.0009%). This variant has not been reported in the literature in individuals affected with DSP-related conditions. ClinVar contains an entry for this variant (Variation ID: 422312). An algorithm developed to predict the effect of missense changes on protein structure and function outputs the following: PolyPhen-2: "Benign". The valine amino acid residue is found in multiple mammalian species, which suggests that this missense change does not adversely affect protein function. In summary, the available evidence is currently insufficient to determine the role of this variant in disease. Therefore, it has been classified as a Variant of Uncertain Significance.

Color Diagnostics, LLC DBA Color Health
Classification: Uncertain significance for Cardiomyopathy. Last evaluated: 2024-03-06. Review status: criteria provided, single submitter. Criteria: ACMG Guidelines, 2015. Collection method: clinical testing. Allele origin: germline.
Comment: This missense variant replaces isoleucine with valine at codon 218 of the DSP protein. Computational prediction suggests that this variant may not impact protein structure and function (internally defined REVEL score threshold <= 0.5, PMID: 27666373). Splice site prediction tools suggest that this variant may not impact RNA splicing. To our knowledge, functional studies have not been performed for this variant. This variant has not been reported in individuals affected with cardiovascular disorders in the literature. This variant has been identified in 1/251446 chromosomes in the general population by the Genome Aggregation Database (gnomAD). The available evidence is insufficient to determine the role of this variant in disease conclusively. Therefore, this variant is classified as a Variant of Uncertain Significance.

All of Us Research Program, National Institutes of Health
Classification: Uncertain significance for Arrhythmogenic cardiomyopathy with wooly hair and keratoderma. Last evaluated: 2023-12-07. Review status: criteria provided, single submitter. Criteria: ACMG Guidelines, 2015. Collection method: clinical testing. Allele origin: germline. Inheritance: Autosomal dominant inheritance. Observed: 4 variant alleles, 4 heterozygotes.
Comment: This missense variant replaces isoleucine with valine at codon 218 of the DSP protein. Computational prediction suggests that this variant may not impact protein structure and function (internally defined REVEL score threshold <= 0.5, PMID: 27666373). Splice site prediction tools suggest that this variant may not impact RNA splicing. To our knowledge, functional studies have not been performed for this variant. This variant has not been reported in individuals affected with cardiovascular disorders in the literature. This variant has been identified in 1/251446 chromosomes in the general population by the Genome Aggregation Database (gnomAD). The available evidence is insufficient to determine the role of this variant in disease conclusively. Therefore, this variant is classified as a Variant of Uncertain Significance.

This study involves interpretation of variants in research participants for the purpose of population health screening. Participant phenotype was not available at the time of variant classification. Additional details can be found in publication PMID: 35346344, PMCID: PMC8962531

Blueprint Genetics
Classification: Uncertain significance. Last evaluated: 2022-08-11. Review status: criteria provided, single submitter. Criteria: ACMG Guidelines, 2015. Collection method: clinical testing. Allele origin: germline.

GeneDx
Classification: Uncertain significance. Last evaluated: 2017-04-10. Review status: criteria provided, single submitter. Criteria: GeneDx Variant Classification (06012015). Collection method: clinical testing. Allele origin: germline. Affected: yes.
Comment: The I218V variant of uncertain significance in the DSP gene has not been published as a pathogenic or benign variantto our knowledge. This variant was not observed in approximately 6,500 individuals of European and AfricanAmerican ancestry in the NHLBI Exome Sequencing Project, indicating it is not a common benign variant in thesepopulations. The I218V variant is a conservative amino acid substitution, which is not likely to impact secondaryprotein structure as these residues share similar properties. Furthermore, this substitution occurs at a position whereamino acids with similar properties to Isoleucine are tolerated across species, and V218 is tolerated in at least onespecies. In silico analysis is inconsistent in its predictions as to whether or not the variant is damaging to the proteinstructure/function.Therefore, based on the currently available information, it is unclear whether this variant is pathogenic or benign.